The following is an entry in ClinVar:

ClinVar aggregate classification (germline): Uncertain significance (1 of 4 stars; one submission).

gnomAD v4.1: 7 of 1,614,052 alleles (0.00043%); highest among the groups gnomAD compares: South Asian, 0.0011%; no homozygotes.

Submission:

GeneDx
Classification: Uncertain significance. Last evaluated: 2025-05-06. Review status: criteria provided, single submitter. Criteria: GeneDx Variant Classification Process June 2021. Collection method: clinical testing. Allele origin: germline. Affected: yes.
Comment: Not observed at significant frequency in large population cohorts (gnomAD); In silico analysis supports that this missense variant has a deleterious effect on protein structure/function; Has not been previously published as pathogenic or benign to our knowledge

NM_000230.3(LEP):c.119C>T (p.Thr40Ile)

Gene: LEP (leptin; plus strand). Cytogenetic location: 7q32.1.
Variant type: single nucleotide variant.
Coding change: c.119C>T on transcript NM_000230.3 (MANE Select); coding-DNA position 119, C replaced by T.
Protein change: p.Thr40Ile; replaces threonine 40 with isoleucine.
Molecular consequence: missense variant.
Genome position (GRCh38, 1-based): chr7:128,252,137, C>T. VCF-style: chr7-128252137-C-T. GRCh37 (hg19) VCF-style: chr7-127892190-C-T.
Other names: short protein forms T40I.
Identifiers: ClinVar variation 4528110 (VCV004528110.1).